The following is an entry in ClinVar:

NM_006031.6(PCNT):c.8399G>A (p.Arg2800Gln)

Gene: PCNT (pericentrin; plus strand). Cytogenetic location: 21q22.3.
Variant type: single nucleotide variant.
Coding change: c.8399G>A on transcript NM_006031.6 (MANE Select); coding-DNA position 8399, G replaced by A.
Protein change: p.Arg2800Gln; replaces arginine 2800 with glutamine.
Molecular consequence: missense variant.
Genome position (GRCh38, 1-based): chr21:46,431,863, G>A. VCF-style: chr21-46431863-G-A. GRCh37 (hg19) VCF-style: chr21-47851777-G-A.
Other names: c.8045G>A, p.Arg2682Gln (NM_001315529.2); short protein forms R2800Q, R2682Q.
Identifiers: ClinVar variation 340535 (VCV000340535.15), dbSNP rs146792192, ClinGen allele CA10080961.
Genomic context (GRCh38, chr21:46,431,863, plus strand): 5'-TGCACCAGGACACACAGGCCCATCACGCTCTGCTGCAGAAGCTGAAGGAGGAGAAGTCCC[G>A]GGTGGTGGACTTGCAAGCGATGCTTGAAAAGGTGCAGCAGCAAGCCCTGCATTCTCAGCA-3'
Protein context (NP_006022.3, residues 2790-2810): LLQKLKEEKS[Arg2800Gln]VVDLQAMLEK

ClinVar aggregate classification (germline): Conflicting classifications of pathogenicity. Review status: criteria provided, conflicting classifications (1 of 4 stars). 4 submissions from 4 submitters: Uncertain significance (2); Likely benign (1). 1 of the submissions does not count toward it. Last evaluated 2025-12-21.

Conditions:
PCNT-related disorder. Also called: PCNT-related condition.
Microcephalic osteodysplastic primordial dwarfism type II (MOPD2). Also called: Microcephalic osteodysplastic primordial dwarfism with tooth abnormalities; MOPD II; OSTEODYSPLASTIC PRIMORDIAL DWARFISM, TYPE II. Identifiers: Orphanet 2637, MedGen C0432246, MONDO:0008872, OMIM 210720.
Inborn genetic diseases. Identifiers: MedGen C0950123, MeSH D030342.

Allele frequency attached by ClinVar (database versions not stated): 1000 Genomes Project 0.00020; ExAC 0.00024; 1000 Genomes Project 30x 0.00031; gnomAD 0.00036; gnomAD exomes 0.00036; ESP Exome Variant Server 0.00038; TOPMed 0.00040.
gnomAD v4.1: 371 of 1,614,010 alleles (0.023%); highest among the groups gnomAD compares: Admixed American, 0.032%; 1 homozygote.

Submissions (4):

Labcorp Genetics (formerly Invitae), Labcorp
Classification: Likely benign. Last evaluated: 2025-12-21. Review status: criteria provided, single submitter. Criteria: Invitae Variant Classification Sherloc (09022015). Collection method: clinical testing. Allele origin: germline.

Ambry Genetics
Classification: Uncertain significance for Inborn genetic diseases. Last evaluated: 2021-07-14. Review status: criteria provided, single submitter. Criteria: Ambry Variant Classification Scheme 2023. Collection method: clinical testing. Allele origin: germline.

Illumina Laboratory Services, Illumina
Classification: Uncertain significance for Microcephalic osteodysplastic primordial dwarfism type II. Last evaluated: 2018-01-13. Review status: criteria provided, single submitter. Criteria: ICSL Variant Classification Criteria 13 December 2019. Collection method: clinical testing. Allele origin: germline.

PreventionGenetics, part of Exact Sciences
Classification: Likely benign for PCNT-related condition. Last evaluated: 2021-11-08. Review status: no assertion criteria provided. Collection method: clinical testing. Allele origin: germline. Not counted in ClinVar's aggregate classification.
Comment: This variant is classified as likely benign based on ACMG/AMP sequence variant interpretation guidelines (Richards et al. 2015 PMID: 25741868, with internal and published modifications).